The following is an entry in ClinVar:

NM_001039660.2(IL18BP):c.361C>T (p.Arg121Trp)

Gene: IL18BP (interleukin 18 binding protein; plus strand). Cytogenetic location: 11q13.4.
Variant type: single nucleotide variant.
Coding change: c.361C>T on transcript NM_001039660.2 (MANE Select); coding-DNA position 361, C replaced by T.
Protein change: p.Arg121Trp; replaces arginine 121 with tryptophan.
Molecular consequence: missense variant. On other transcripts: intron variant (1).
Genome position (GRCh38, 1-based): chr11:72,001,406, C>T. VCF-style: chr11-72001406-C-T. GRCh37 (hg19) VCF-style: chr11-71712452-C-T.
Other names: c.361C>T, p.Arg121Trp (NM_001039659.2, NM_001145057.1, NM_005699.3 and 2 more transcripts); c.236-378C>T (NM_001145055.1); short protein forms R121W.
Identifiers: ClinVar variation 2107133 (VCV002107133.5), dbSNP rs1214776197, ClinGen allele CA381722811.

ClinVar aggregate classification (germline): Uncertain significance. Review status: criteria provided, multiple submitters, no conflicts (2 of 4 stars). 2 submissions from 2 submitters: Uncertain significance (2). Last evaluated 2023-09-22.

Allele frequency attached by ClinVar (database versions not stated): gnomAD exomes 0.00001.

Submissions (2):

Ambry Genetics
Classification: Uncertain significance. Last evaluated: 2023-09-22. Review status: criteria provided, single submitter. Criteria: Ambry Variant Classification Scheme 2023. Collection method: clinical testing. Allele origin: germline.

Labcorp Genetics (formerly Invitae), Labcorp
Classification: Uncertain significance. Last evaluated: 2023-08-04. Review status: criteria provided, single submitter. Criteria: Invitae Variant Classification Sherloc (09022015). Collection method: clinical testing. Allele origin: germline.
Comment: In summary, the available evidence is currently insufficient to determine the role of this variant in disease. Therefore, it has been classified as a Variant of Uncertain Significance. This sequence change replaces arginine, which is basic and polar, with tryptophan, which is neutral and slightly polar, at codon 121 of the IL18BP protein (p.Arg121Trp). This variant is present in population databases (no rsID available, gnomAD 0.01%). This variant has not been reported in the literature in individuals affected with IL18BP-related conditions. ClinVar contains an entry for this variant (Variation ID: 2107133). Algorithms developed to predict the effect of missense changes on protein structure and function output the following: SIFT: "Not Available"; PolyPhen-2: "Benign"; Align-GVGD: "Not Available". The tryptophan amino acid residue is found in multiple mammalian species, which suggests that this missense change does not adversely affect protein function.